The following is an entry in ClinVar:

NM_001558.4(IL10RA):c.525G>A (p.Pro175=)

Gene: IL10RA (interleukin 10 receptor subunit alpha; plus strand). Cytogenetic location: 11q23.3.
Variant type: single nucleotide variant.
Coding change: c.525G>A on transcript NM_001558.4 (MANE Select); coding-DNA position 525, G replaced by A.
Protein change: p.Pro175=; no amino-acid change (proline 175 retained).
Molecular consequence: synonymous variant. On other transcripts: non-coding transcript variant (1).
Genome position (GRCh38, 1-based): chr11:117,993,398, G>A. VCF-style: chr11-117993398-G-A. GRCh37 (hg19) VCF-style: chr11-117864113-G-A.
Other names: p.Pro175=.
Identifiers: ClinVar variation 302547 (VCV000302547.16), dbSNP rs2228054, ClinGen allele CA6298966.

ClinVar aggregate classification (germline): Benign/Likely benign. Review status: criteria provided, multiple submitters, no conflicts (2 of 4 stars). 5 submissions from 5 submitters: Benign (4); Likely benign (1). Last evaluated 2026-02-04.

Conditions:
Inflammatory bowel disease 28. Also called: Inflammatory bowel disease 28, early onset, autosomal recessive. Identifiers: Orphanet 238569, MedGen C2751053, MONDO:0013153, OMIM 613148.

Allele frequency attached by ClinVar (database versions not stated): ESP Exome Variant Server 0.04179; gnomAD 0.04875 and 0.05585; TOPMed 0.05281; gnomAD exomes 0.06638 and 0.08300; ExAC 0.08216; 1000 Genomes Project 30x 0.11071; 1000 Genomes Project 0.11661.
gnomAD v4.1: 105,969 of 1,613,958 alleles (6.6%); highest among the groups gnomAD compares: East Asian, 37%; 6,212 homozygotes.

Submissions (5):

Labcorp Genetics (formerly Invitae), Labcorp
Classification: Benign for Inflammatory bowel disease 28. Last evaluated: 2026-02-04. Review status: criteria provided, single submitter. Criteria: Invitae Variant Classification Sherloc (09022015). Collection method: clinical testing. Allele origin: germline.

Blueprint Genetics
Classification: Likely benign. Last evaluated: 2024-11-27. Review status: criteria provided, single submitter. Criteria: ACMG Guidelines, 2015. Collection method: clinical testing. Allele origin: germline.

Mayo Clinic Laboratories, Mayo Clinic
Classification: Benign. Last evaluated: 2018-04-11. Review status: criteria provided, single submitter. Criteria: ACMG Guidelines, 2015. Collection method: clinical testing. Allele origin: germline. Observed: 146 variant alleles.

Illumina Laboratory Services, Illumina
Classification: Benign for Inflammatory bowel disease 28. Last evaluated: 2018-01-12. Review status: criteria provided, single submitter. Criteria: ICSL Variant Classification Criteria 13 December 2019. Collection method: clinical testing. Allele origin: germline.
Comment: This variant was observed in the ICSL laboratory as part of a predisposition screen in an ostensibly healthy population. It had not been previously curated by ICSL or reported in the Human Gene Mutation Database (HGMD: prior to June 1st, 2018), and was therefore a candidate for classification through an automated scoring system. Utilizing variant allele frequency, disease prevalence and penetrance estimates, and inheritance mode, an automated score was calculated to assess if this variant is too frequent to cause the disease. Based on the score and internal cut-off values, a variant classified as benign is not then subjected to further curation. The score for this variant resulted in a classification of benign for this disease.

Breakthrough Genomics
Classification: Benign. Review status: criteria provided, single submitter. Criteria: ACMG Guidelines, 2015. Collection method: not provided. Allele origin: germline. Inheritance: Autosomal recessive inheritance. Affected: yes.